The following is an entry in ClinVar:

ClinVar aggregate classification (germline): Uncertain significance (1 of 4 stars; one submission).

gnomAD v4.1: 2 of 1,612,678 alleles (0.00012%); highest among the groups gnomAD compares: Non-Finnish European, 0.00017%; no homozygotes.

Submission:

GeneDx
Classification: Uncertain significance. Last evaluated: 2022-04-07. Review status: criteria provided, single submitter. Criteria: GeneDx Variant Classification Process June 2021. Collection method: clinical testing. Allele origin: germline. Affected: yes.
Comment: Nonsense variant predicted to result in protein truncation or nonsense mediated decay in a gene or region of a gene for which loss of function is not a well-established mechanism of disease; Not observed at significant frequency in large population cohorts (gnomAD); Has not been previously published as pathogenic or benign to our knowledge; Variants in candidate genes are classified as variants of uncertain significance in accordance with ACMG guidelines (Richards et al., 2015)

NM_001286445.3(RIPOR2):c.181C>T (p.Arg61Ter)

Gene: RIPOR2 (RHO family interacting cell polarization regulator 2; minus strand). Cytogenetic location: 6p22.3.
Variant type: single nucleotide variant.
Coding change: c.181C>T on transcript NM_001286445.3 (MANE Select); coding-DNA position 181, C replaced by T.
Protein change: p.Arg61Ter; replaces arginine 61 with a stop codon.
Molecular consequence: nonsense.
Genome position (GRCh38, 1-based): chr6:24,875,698, G>A on the plus strand (C>T on the coding strand, the complement: RIPOR2 is on the minus strand). VCF-style: chr6-24875698-G-A. GRCh37 (hg19) VCF-style: chr6-24875926-G-A.
Other names: c.196C>T, p.Arg66Ter (NM_001286446.3); c.94C>T, p.Arg32Ter (NM_001286447.2, NM_001346031.2, NM_001346032.2 and 2 more transcripts); short protein forms R32*, R61*, R66*.
Identifiers: ClinVar variation 3342473 (VCV003342473.1).
Genomic context (GRCh38, chr6:24,875,698, plus strand): 5'-AAGTTCACTTCCTTGGCAAGCTGCATCCCGGGAGAGAACCACACAGTACTTGCCTGGATC[G>A]CCTTTCCTGGAGGCCGCTGAAACCCGCAAAGGACTGGCTTCTAATGATCCCATTGGGCCC-3'